The following is an entry in ClinVar:

ClinVar aggregate classification (germline): Uncertain significance. Review status: criteria provided, multiple submitters, no conflicts (2 of 4 stars). 2 submissions from 2 submitters: Uncertain significance (2). Last evaluated 2025-07-20.

Conditions:
Cardiovascular phenotype. Identifiers: MedGen CN230736.
Brugada syndrome 7 (BRGDA7). Identifiers: Orphanet 130, MedGen C2751088, MONDO:0013146, OMIM 613120.

Allele frequency attached by ClinVar (database versions not stated): gnomAD 0.00002; gnomAD exomes 0.00002; TOPMed 0.00002.
gnomAD v4.1: 31 of 1,614,060 alleles (0.0019%); highest among the groups gnomAD compares: Non-Finnish European, 0.0025%; no homozygotes.

Submissions (2):

Labcorp Genetics (formerly Invitae), Labcorp
Classification: Uncertain significance for Brugada syndrome 7. Last evaluated: 2025-07-20. Review status: criteria provided, single submitter. Criteria: Invitae Variant Classification Sherloc (09022015). Collection method: clinical testing. Allele origin: germline.
Comment: This sequence change replaces glutamine, which is neutral and polar, with lysine, which is basic and polar, at codon 101 of the SCN3B protein (p.Gln101Lys). This variant is present in population databases (no rsID available, gnomAD 0.002%). This variant has not been reported in the literature in individuals affected with SCN3B-related conditions. ClinVar contains an entry for this variant (Variation ID: 1798890). An algorithm developed to predict the effect of missense changes on protein structure and function (PolyPhen-2) suggests that this variant is likely to be disruptive. In summary, the available evidence is currently insufficient to determine the role of this variant in disease. Therefore, it has been classified as a Variant of Uncertain Significance.

Ambry Genetics
Classification: Uncertain significance for Cardiovascular phenotype. Last evaluated: 2024-07-30. Review status: criteria provided, single submitter. Criteria: Ambry Variant Classification Scheme 2023. Collection method: clinical testing. Allele origin: germline.
Comment: The p.Q101K variant (also known as c.301C>A), located in coding exon 3 of the SCN3B gene, results from a C to A substitution at nucleotide position 301. The glutamine at codon 101 is replaced by lysine, an amino acid with similar properties. This alteration has been reported in a Brugada syndrome cohort; however, clinical details were limited and additional variants were reported (Peeters U et al, 2015 Jul;79:2118-29). This amino acid position is highly conserved in available vertebrate species. In addition, the in silico prediction for this alteration is inconclusive. Since supporting evidence is limited at this time, the clinical significance of this alteration remains unclear.

Literature cited by the submitters: PubMed 26179811 (cited by Ambry Genetics).

NM_001040151.2(SCN3B):c.301C>A (p.Gln101Lys)

Gene: SCN3B (sodium voltage-gated channel beta subunit 3; minus strand). Cytogenetic location: 11q24.1.
Variant type: single nucleotide variant.
Coding change: c.301C>A on transcript NM_001040151.2 (MANE Select); coding-DNA position 301, C replaced by A.
Protein change: p.Gln101Lys; replaces glutamine 101 with lysine.
Molecular consequence: missense variant.
Genome position (GRCh38, 1-based): chr11:123,642,590, G>T on the plus strand (C>A on the coding strand, the complement: SCN3B is on the minus strand). VCF-style: chr11-123642590-G-T. GRCh37 (hg19) VCF-style: chr11-123513298-G-T.
Other names: c.301C>A, p.Gln101Lys (NM_018400.4); short protein forms Q101K.
Identifiers: ClinVar variation 1798890 (VCV001798890.8), dbSNP rs1360576161, ClinGen allele CA383071804.